The following is an entry in ClinVar:

ClinVar aggregate classification (germline): Uncertain significance (1 of 4 stars; one submission).

Submission:

CeGaT Center for Human Genetics Tuebingen
Classification: Uncertain significance. Last evaluated: 2024-12-01. Review status: criteria provided, single submitter. Criteria: CeGaT Center For Human Genetics Tuebingen Variant Classification Criteria Version 2. Collection method: clinical testing. Allele origin: germline. Affected: yes. Observed: 1 variant allele.
Comment: AHDC1: PM2, BP1

NM_001371928.1(AHDC1):c.4150_4151delinsTG (p.Ala1384Cys)

Gene: AHDC1 (AT-hook DNA binding motif containing 1; minus strand). Cytogenetic location: 1p36.11.
Variant type: Indel.
Coding change: c.4150_4151delinsTG on transcript NM_001371928.1 (MANE Select); coding-DNA positions 4150 to 4151, GC replaced by TG.
Protein change: p.Ala1384Cys; replaces alanine 1384 with cysteine.
Molecular consequence: missense variant.
Genome position (GRCh38, 1-based): chr1:27,547,965-27,547,966, GC replaced by CA on the plus strand (GC replaced by TG on the coding strand, the reverse complement: AHDC1 is on the minus strand). VCF-style: chr1-27547965-GC-CA. GRCh37 (hg19) VCF-style: chr1-27874476-GC-CA.
Other names: c.4150_4151delinsTG, p.Ala1384Cys (NM_001029882.3); short protein forms A1384C.
Identifiers: ClinVar variation 3772622 (VCV003772622.13).
Genomic context (GRCh38, chr1:27,547,965, plus strand): 5'-GGCGAGCAGGTGGGCGAGTATGCCTTCTGCAGGCCGGCGTCAAACACCGTGGGTGGGTGG[GC>CA]CAGCGGTGGGAAATGCTTGCCATCAAGCTCGGGAGCACCCAGGCTGGGCGAGTCGCAGTG-3'
Protein context (NP_001358857.1, residues 1374-1394): ELDGKHFPPL[Ala1384Cys]HPPTVFDAGL